The following is an entry in ClinVar:

NM_001267550.2(TTN):c.65633G>C (p.Gly21878Ala)

Genes: TTN (titin; minus strand), TTN-AS1 (TTN antisense RNA 1; plus strand). Cytogenetic location: 2q31.2.
Variant type: single nucleotide variant.
Coding change: c.65633G>C on transcript NM_001267550.2 (MANE Select); coding-DNA position 65633, G replaced by C.
Protein change: p.Gly21878Ala; replaces glycine 21878 with alanine.
Molecular consequence: missense variant. On other transcripts: non-coding transcript variant (1).
Genome position (GRCh38, 1-based): chr2:178,583,170, C>G on the plus strand (G>C on the coding strand, the complement: TTN is on the minus strand). VCF-style: chr2-178583170-C-G. GRCh37 (hg19) VCF-style: chr2-179447897-C-G.
Other names: c.60710G>C, p.Gly20237Ala (NM_001256850.1); c.38438G>C, p.Gly12813Ala (NM_003319.4); c.57929G>C, p.Gly19310Ala (NM_133378.4); c.38813G>C, p.Gly12938Ala (NM_133432.3); c.39014G>C, p.Gly13005Ala (NM_133437.4); short protein forms G19310A, G21878A, G13005A, G20237A, G12938A, G12813A.
Identifiers: ClinVar variation 332803 (VCV000332803.8), dbSNP rs767001973, ClinGen allele CA1991663.

ClinVar aggregate classification (germline): Uncertain significance. Review status: criteria provided, multiple submitters, no conflicts (2 of 4 stars). 7 submissions from 3 submitters: Uncertain significance (7). Last evaluated 2021-07-02.

Conditions:
Dilated cardiomyopathy 1G (CMD1G). Identifiers: Orphanet 154, MedGen C1858763, MONDO:0011400, OMIM 604145.
Autosomal recessive limb-girdle muscular dystrophy type 2J (LGMDR10). Also called: MUSCULAR DYSTROPHY, LIMB-GIRDLE, AUTOSOMAL RECESSIVE 10; Limb-girdle muscular dystrophy, type 2J. Identifiers: Orphanet 140922, MedGen C1837342, MONDO:0012127, OMIM 608807.
Early-onset myopathy with fatal cardiomyopathy (CMYO5). Also called: CONGENITAL MYOPATHY 5 WITH CARDIOMYOPATHY; Salih Myopathy. Identifiers: Orphanet 289377, MedGen C2673677, MONDO:0012714, OMIM 611705. Disease mechanism: loss of function.
Hypertrophic cardiomyopathy 9. Also called: Familial hypertrophic cardiomyopathy 9. Identifiers: MedGen C1861065, MONDO:0013412, OMIM 613765.
Tibial muscular dystrophy (TMD). Also called: Udd Distal Myopathy – Tibial Muscular Dystrophy; UDD MYOPATHY; Tibial muscular dystrophy, tardive. Identifiers: Orphanet 609, MedGen C1838244, MONDO:0010870, OMIM 600334.
Myopathy, myofibrillar, 9, with early respiratory failure (MFM9). Also called: Myopathy, distal, with early respiratory failure, autosomal dominant; Hereditary myopathy with early respiratory failure; EDSTROM MYOPATHY; MYOPATHY, PROXIMAL, WITH EARLY RESPIRATORY MUSCLE INVOLVEMENT. Identifiers: Orphanet 178464, Orphanet 34521, MedGen C1863599, MONDO:0011362, OMIM 603689.

Allele frequency attached by ClinVar (database versions not stated): gnomAD exomes below 0.00001 and 0.00001; TOPMed below 0.00001; ExAC 0.00001.
gnomAD v4.1: 14 of 1,611,764 alleles (0.00087%); highest among the groups gnomAD compares: East Asian, 0.0022%; no homozygotes.

Submissions (7):

Fulgent Genetics
Classification: Uncertain significance for Tibial muscular dystrophy; Myopathy, myofibrillar, 9, with early respiratory failure; Dilated cardiomyopathy 1G; Autosomal recessive limb-girdle muscular dystrophy type 2J; Early-onset myopathy with fatal cardiomyopathy; Hypertrophic cardiomyopathy 9. Last evaluated: 2021-07-02. Review status: criteria provided, single submitter. Criteria: ACMG Guidelines, 2015. Collection method: clinical testing. Allele origin: unknown.

GeneDx
Classification: Uncertain significance. Last evaluated: 2020-01-13. Review status: criteria provided, single submitter. Criteria: GeneDx Variant Classification Process June 2021. Collection method: clinical testing. Allele origin: germline. Affected: yes.
Comment: Not observed at a significant frequency in large population cohorts (Lek et al., 2016); Missense variant in a gene in which most reported pathogenic variants are truncating/loss-of-function; Has not been previously published as pathogenic or benign to our knowledge; Located in the A-band of the titin protein, where the majority of pathogenic truncating variants have been reported

Illumina Laboratory Services, Illumina
Classification: Uncertain significance for Tibial muscular dystrophy. Last evaluated: 2018-01-12. Review status: criteria provided, single submitter. Criteria: ICSL Variant Classification Criteria 13 December 2019. Collection method: clinical testing. Allele origin: germline.

Illumina Laboratory Services, Illumina
Classification: Uncertain significance for Early-onset myopathy with fatal cardiomyopathy. Last evaluated: 2018-01-12. Review status: criteria provided, single submitter. Criteria: ICSL Variant Classification Criteria 13 December 2019. Collection method: clinical testing. Allele origin: germline.

Illumina Laboratory Services, Illumina
Classification: Uncertain significance for Myopathy, myofibrillar, 9, with early respiratory failure. Last evaluated: 2018-01-12. Review status: criteria provided, single submitter. Criteria: ICSL Variant Classification Criteria 13 December 2019. Collection method: clinical testing. Allele origin: germline.

Illumina Laboratory Services, Illumina
Classification: Uncertain significance for Autosomal recessive limb-girdle muscular dystrophy type 2J. Last evaluated: 2018-01-12. Review status: criteria provided, single submitter. Criteria: ICSL Variant Classification Criteria 13 December 2019. Collection method: clinical testing. Allele origin: germline.

Illumina Laboratory Services, Illumina
Classification: Uncertain significance for Dilated cardiomyopathy 1G. Last evaluated: 2018-01-12. Review status: criteria provided, single submitter. Criteria: ICSL Variant Classification Criteria 13 December 2019. Collection method: clinical testing. Allele origin: germline.